The following is an entry in ClinVar:

NM_000512.5(GALNS):c.-32C>T

Genes: GALNS (galactosamine (N-acetyl)-6-sulfatase; minus strand), TRAPPC2L (trafficking protein particle complex subunit 2L; plus strand), LOC130059762 (ATAC-STARR-seq lymphoblastoid silent region 7883; plus strand). Cytogenetic location: 16q24.3.
Variant type: single nucleotide variant.
Coding change: c.-32C>T on transcript NM_000512.5 (MANE Select); 32 bases upstream of the start codon, C replaced by T.
Molecular consequence: 5 prime UTR variant.
Genome position (GRCh38, 1-based): chr16:88,856,909, G>A on the plus strand (C>T on the coding strand, the complement: GALNS is on the minus strand). VCF-style: chr16-88856909-G-A. GRCh37 (hg19) VCF-style: chr16-88923317-G-A.
Other names: c.-463C>T (NM_001323543.2); c.-184C>T (NM_001323544.2).
Identifiers: ClinVar variation 885856 (VCV000885856.6), dbSNP rs556283159, ClinGen allele CA8235425.

ClinVar aggregate classification (germline): Likely benign. Review status: criteria provided, multiple submitters, no conflicts (2 of 4 stars). 2 submissions from 2 submitters: Likely benign (2). Last evaluated 2019-03-24.

Conditions:
Mucopolysaccharidosis, MPS-IV-A (MPS4A). Also called: MPS IVA; Morquio syndrome A, mild; GALACTOSAMINE-6-SULFATASE DEFICIENCY; GALNS DEFICIENCY; MORQUIO A DISEASE; Mucopolysaccharidosis type IV A. Identifiers: Orphanet 309297, Orphanet 582, MedGen C0086651, MONDO:0009659, OMIM 253000.

Allele frequency attached by ClinVar (database versions not stated): ExAC 0.00058; 1000 Genomes Project 0.00220; 1000 Genomes Project 30x 0.00297; gnomAD 0.00350; TOPMed 0.00377.
gnomAD v4.1: 927 of 1,497,858 alleles (0.062%); highest among the groups gnomAD compares: African/African-American, 1.2%; 8 homozygotes.

Submissions (2):

GeneDx
Classification: Likely benign. Last evaluated: 2019-03-24. Review status: criteria provided, single submitter. Criteria: GeneDx Variant Classification Process June 2021. Collection method: clinical testing. Allele origin: germline. Affected: yes.

Illumina Laboratory Services, Illumina
Classification: Likely benign for Mucopolysaccharidosis, MPS-IV-A. Last evaluated: 2018-01-12. Review status: criteria provided, single submitter. Criteria: ICSL Variant Classification Criteria 13 December 2019. Collection method: clinical testing. Allele origin: germline.
Comment: This variant was observed in the ICSL laboratory as part of a predisposition screen in an ostensibly healthy population. It had not been previously curated by ICSL or reported in the Human Gene Mutation Database (HGMD: prior to June 1st, 2018), and was therefore a candidate for classification through an automated scoring system. Utilizing variant allele frequency, disease prevalence and penetrance estimates, and inheritance mode, an automated score was calculated to assess if this variant is too frequent to cause the disease. Based on the score and internal cut-off values, a variant classified as likely benign is not then subjected to further curation. The score for this variant resulted in a classification of likely benign for this disease.